The following is an entry in ClinVar:

ClinVar aggregate classification (germline): Uncertain significance (1 of 4 stars; one submission).

gnomAD v4.1: 1 of 1,598,642 alleles (0.000063%); highest among the groups gnomAD compares: Non-Finnish European, 0.000085%; no homozygotes.

Submission:

Women's Health and Genetics/Laboratory Corporation of America, LabCorp
Classification: Uncertain significance. Last evaluated: 2025-09-05. Review status: criteria provided, single submitter. Criteria: LabCorp Variant Classification Summary - May 2015. Collection method: clinical testing. Allele origin: germline.
Comment: Variant summary: ARSA c.1237G>T (p.Asp413Tyr) results in a non-conservative amino acid change in the encoded protein sequence. Algorithms developed to predict the effect of missense changes on protein structure and function all suggest that this variant is likely to be disruptive. The variant was absent in 237166 control chromosomes. The available data on variant occurrences in the general population are insufficient to allow any conclusion about variant significance. To our knowledge, no occurrence of c.1237G>T in individuals affected with ARSA-related conditions and no experimental evidence demonstrating its impact on protein function have been reported. No submitters have cited clinical-significance assessments for this variant to ClinVar. Based on the evidence outlined above, the variant was classified as uncertain significance.

NM_000487.6(ARSA):c.1237G>T (p.Asp413Tyr)

Gene: ARSA (arylsulfatase A; minus strand). Cytogenetic location: 22q13.33.
Variant type: single nucleotide variant.
Coding change: c.1237G>T on transcript NM_000487.6 (MANE Select); coding-DNA position 1237, G replaced by T.
Protein change: p.Asp413Tyr; replaces aspartic acid 413 with tyrosine.
Molecular consequence: missense variant.
Genome position (GRCh38, 1-based): chr22:50,625,438, C>A on the plus strand (G>T on the coding strand, the complement: ARSA is on the minus strand). VCF-style: chr22-50625438-C-A. GRCh37 (hg19) VCF-style: chr22-51063866-C-A.
Other names: c.1237G>T, p.Asp413Tyr (NM_001085425.3, NM_001085426.3, NM_001085427.3); c.979G>T, p.Asp327Tyr (NM_001085428.3, NM_001362782.2); short protein forms D327Y, D413Y.
Identifiers: ClinVar variation 4535761 (VCV004535761.1).
Genomic context (GRCh38, chr22:50,625,438, plus strand): 5'-GGTCATAGAGCAGCGGGGGCTCATGAGCAGTCAGAGAGCTGGAGGCGTGGCAGGCAGGGT[C>A]TGCAGTGGTATCACTGTGGGCAGAGCCTGGGGAGGGGGCCAATTCTGTGCACAGGGCAAG-3'
Protein context (NP_000478.3, residues 403-423): QGSAHSDTTA[Asp413Tyr]PACHASSSLT